The following is an entry in ClinVar:

ClinVar aggregate classification (germline): Uncertain significance (1 of 4 stars; one submission).

Allele frequency attached by ClinVar (database versions not stated): gnomAD 0.00001.
gnomAD v4.1: 1 of 1,613,910 alleles (0.000062%); highest among the groups gnomAD compares: Non-Finnish European, 0.000085%; no homozygotes.

Submission:

Ambry Genetics
Classification: Uncertain significance. Last evaluated: 2025-06-12. Review status: criteria provided, single submitter. Criteria: Ambry Variant Classification Scheme 2023. Collection method: clinical testing. Allele origin: germline.
Comment: The p.K1769R variant (also known as c.5306A>G), located in coding exon 46 of the KIF1B gene, results from an A to G substitution at nucleotide position 5306. The lysine at codon 1769 is replaced by arginine, an amino acid with highly similar properties. This amino acid position is conserved. In addition, this alteration is predicted to be tolerated by in silico analysis. Since supporting evidence is limited at this time, the clinical significance of this alteration remains unclear.

NM_001365951.3(KIF1B):c.5444A>G (p.Lys1815Arg)

Gene: KIF1B (kinesin family member 1B; plus strand). Cytogenetic location: 1p36.22.
Variant type: single nucleotide variant.
Coding change: c.5444A>G on transcript NM_001365951.3 (MANE Select); coding-DNA position 5444, A replaced by G.
Protein change: p.Lys1815Arg; replaces lysine 1815 with arginine.
Molecular consequence: missense variant.
Genome position (GRCh38, 1-based): chr1:10,376,580, A>G. VCF-style: chr1-10376580-A-G. GRCh37 (hg19) VCF-style: chr1-10436638-A-G.
Other names: c.5444A>G, p.Lys1815Arg (NM_001365952.1); c.5306A>G, p.Lys1769Arg (NM_015074.3); short protein forms K1769R, K1815R.
Identifiers: ClinVar variation 1746725 (VCV001746725.3), dbSNP rs1638894650, ClinGen allele CA338332199.